The following is an entry in ClinVar:

ClinVar aggregate classification (germline): Uncertain significance. Review status: criteria provided, multiple submitters, no conflicts (2 of 4 stars). 3 submissions from 3 submitters: Uncertain significance (3). Last evaluated 2025-11-17.

Conditions:
Inborn genetic diseases. Identifiers: MedGen C0950123, MeSH D030342.
KDM1A-related disorder. Also called: KDM1A-related condition.

Allele frequency attached by ClinVar (database versions not stated): TOPMed 0.00003; gnomAD 0.00005.
gnomAD v4.1: 27 of 1,614,048 alleles (0.0017%); highest among the groups gnomAD compares: South Asian, 0.0077%; no homozygotes.

Submissions (3):

Labcorp Genetics (formerly Invitae), Labcorp
Classification: Uncertain significance. Last evaluated: 2025-11-17. Review status: criteria provided, single submitter. Criteria: Invitae Variant Classification Sherloc (09022015). Collection method: clinical testing. Allele origin: germline.
Comment: This sequence change replaces valine, which is neutral and non-polar, with isoleucine, which is neutral and non-polar, at codon 661 of the KDM1A protein (p.Val661Ile). This variant is present in population databases (no rsID available, gnomAD 0.003%). This variant has not been reported in the literature in individuals affected with KDM1A-related conditions. ClinVar contains an entry for this variant (Variation ID: 2102155). Invitae Evidence Modeling of protein sequence and biophysical properties (such as structural, functional, and spatial information, amino acid conservation, physicochemical variation, residue mobility, and thermodynamic stability) indicates that this missense variant is not expected to disrupt KDM1A protein function with a negative predictive value of 80%. In summary, the available evidence is currently insufficient to determine the role of this variant in disease. Therefore, it has been classified as a Variant of Uncertain Significance.

PreventionGenetics, part of Exact Sciences
Classification: Uncertain significance for KDM1A-related condition. Last evaluated: 2025-07-08. Review status: criteria provided, single submitter. Criteria: ACMG Guidelines, 2015. Collection method: clinical testing. Allele origin: germline.
Comment: The KDM1A c.1981G>A variant is predicted to result in the amino acid substitution p.Val661Ile. To our knowledge, this variant has not been reported in the literature. This variant is reported in 0.0033% of alleles in individuals of South Asian descent in gnomAD. At this time, the clinical significance of this variant is uncertain due to the absence of conclusive functional and genetic evidence.

Ambry Genetics
Classification: Uncertain significance for Inborn genetic diseases. Last evaluated: 2024-11-23. Review status: criteria provided, single submitter. Criteria: Ambry Variant Classification Scheme 2023. Collection method: clinical testing. Allele origin: germline.
Comment: The p.V661I variant (also known as c.1981G>A), located in coding exon 17 of the KDM1A gene, results from a G to A substitution at nucleotide position 1981. The valine at codon 661 is replaced by isoleucine, an amino acid with highly similar properties. This amino acid position is conserved. In addition, the in silico prediction for this alteration is inconclusive. Based on the available evidence, the clinical significance of this variant remains unclear.

NM_001009999.3(KDM1A):c.1981G>A (p.Val661Ile)

Gene: KDM1A (lysine demethylase 1A; plus strand). Cytogenetic location: 1p36.12.
Variant type: single nucleotide variant.
Coding change: c.1981G>A on transcript NM_001009999.3 (MANE Select); coding-DNA position 1981, G replaced by A.
Protein change: p.Val661Ile; replaces valine 661 with isoleucine.
Molecular consequence: missense variant.
Genome position (GRCh38, 1-based): chr1:23,079,103, G>A. VCF-style: chr1-23079103-G-A. GRCh37 (hg19) VCF-style: chr1-23405596-G-A.
Other names: c.1927G>A, p.Val643Ile (NM_001363654.2); c.1987G>A, p.Val663Ile (NM_001410762.1); c.1909G>A, p.Val637Ile (NM_001410763.1, NM_015013.4); short protein forms V643I, V637I, V663I, V661I.
Identifiers: ClinVar variation 2102155 (VCV002102155.7), dbSNP rs764596144, ClinGen allele CA19215347.
Genomic context (GRCh38, chr1:23,079,103, plus strand): 5'-AAATGCGACGCAGTTCTCTGTACCCTTCCCCTGGGTGTGCTGAAGCAGCAGCCACCAGCC[G>A]TTCAGTTTGTGCCACCTCTCCCTGAGTGGAAAACATCTGCAGTCCAAAGGATGGGATTTG-3'
Protein context (NP_001009999.1, residues 651-671): LGVLKQQPPA[Val661Ile]QFVPPLPEWK